The following is an entry in ClinVar:

NM_020212.2(WDR93):c.1052+3G>A

Gene: WDR93 (WD repeat domain 93; plus strand). Cytogenetic location: 15q26.1.
Variant type: single nucleotide variant.
Coding change: c.1052+3G>A on transcript NM_020212.2 (MANE Select); 3 bases into the intron after coding-DNA position 1052, G replaced by A.
Molecular consequence: intron variant.
Genome position (GRCh38, 1-based): chr15:89,727,331, G>A. VCF-style: chr15-89727331-G-A. GRCh37 (hg19) VCF-style: chr15-90270562-G-A.
Other names: c.1052+3G>A (NM_001284395.2).
Identifiers: ClinVar variation 2645699 (VCV002645699.24), dbSNP rs568009086, ClinGen allele CA7729682.

ClinVar aggregate classification (germline): Likely benign (1 of 4 stars; one submission).

Allele frequency attached by ClinVar (database versions not stated): TOPMed 0.00001; gnomAD 0.00004; gnomAD exomes 0.00006; ExAC 0.00008; 1000 Genomes Project 30x 0.00047; 1000 Genomes Project 0.00060.

Submission:

CeGaT Center for Human Genetics Tuebingen
Classification: Likely benign. Last evaluated: 2023-03-01. Review status: criteria provided, single submitter. Criteria: CeGaT Center For Human Genetics Tuebingen Variant Classification Criteria Version 2. Collection method: clinical testing. Allele origin: germline. Affected: yes. Observed: 1 variant allele.
Comment: WDR93: BP4